The following is an entry in ClinVar:

ClinVar aggregate classification (germline): Uncertain significance (1 of 4 stars; one submission).

Allele frequency attached by ClinVar (database versions not stated): gnomAD exomes below 0.00001; gnomAD 0.00001; TOPMed 0.00002.
gnomAD v4.1: 5 of 1,614,046 alleles (0.00031%); highest among the groups gnomAD compares: African/African-American, 0.0013%; no homozygotes.

Submission:

Labcorp Genetics (formerly Invitae), Labcorp
Classification: Uncertain significance. Last evaluated: 2022-01-03. Review status: criteria provided, single submitter. Criteria: Invitae Variant Classification Sherloc (09022015). Collection method: clinical testing. Allele origin: germline.
Comment: This sequence change replaces leucine, which is neutral and non-polar, with phenylalanine, which is neutral and non-polar, at codon 435 of the PCARE protein (p.Leu435Phe). This variant is not present in population databases (gnomAD no frequency). This variant has not been reported in the literature in individuals affected with PCARE-related conditions. Algorithms developed to predict the effect of missense changes on protein structure and function (SIFT, PolyPhen-2, Align-GVGD) all suggest that this variant is likely to be tolerated. In summary, the available evidence is currently insufficient to determine the role of this variant in disease. Therefore, it has been classified as a Variant of Uncertain Significance.

NM_001029883.3(PCARE):c.1303C>T (p.Leu435Phe)

Gene: PCARE (photoreceptor cilium actin regulator; minus strand). Cytogenetic location: 2p23.2.
Variant type: single nucleotide variant.
Coding change: c.1303C>T on transcript NM_001029883.3 (MANE Select); coding-DNA position 1303, C replaced by T.
Protein change: p.Leu435Phe; replaces leucine 435 with phenylalanine.
Molecular consequence: missense variant.
Genome position (GRCh38, 1-based): chr2:29,072,959, G>A on the plus strand (C>T on the coding strand, the complement: PCARE is on the minus strand). VCF-style: chr2-29072959-G-A. GRCh37 (hg19) VCF-style: chr2-29295825-G-A.
Other names: short protein forms L435F.
Identifiers: ClinVar variation 1497327 (VCV001497327.3), dbSNP rs867898903, ClinGen allele CA44643117.
Genomic context (GRCh38, chr2:29,072,959, plus strand): 5'-GGGTGCTTGTCCCCAGCTTCAAAGGTGGGGAGGTGATATTTTCTGGGCTTGTACTGGAGA[G>A]GCATGGGCTCCTTGCTTCGTCCTGTGCTCGTGGCTGAACCTTTGCCATAGGAGCCCCTGA-3'
Protein context (NP_001025054.1, residues 425-445): RAQDEARSPC[Leu435Phe]SSTSPENITS